The following is an entry in ClinVar:

ClinVar aggregate classification (germline): Uncertain significance (1 of 4 stars; one submission).

Conditions:
COL4A6-related disorder. Also called: COL4A6-related condition.

Submission:

PreventionGenetics, part of Exact Sciences
Classification: Uncertain significance for COL4A6-related condition. Last evaluated: 2026-08-09. Review status: criteria provided, single submitter. Criteria: ACMG Guidelines, 2015. Collection method: clinical testing. Allele origin: germline.
Comment: The COL4A6 c.4921G>C variant is predicted to result in the amino acid substitution p.Gly1641Arg. To our knowledge, this variant has not been reported in the literature. This variant is reported in 0.0037% of alleles in individuals of Latino descent in gnomAD, including one hemizygote. At this time, the clinical significance of this variant is uncertain due to the absence of conclusive functional and genetic evidence.

NM_033641.4(COL4A6):c.4918G>C (p.Gly1640Arg)

Gene: COL4A6 (collagen type IV alpha 6 chain; minus strand). Cytogenetic location: Xq22.3.
Variant type: single nucleotide variant.
Coding change: c.4918G>C on transcript NM_033641.4 (MANE Select); coding-DNA position 4918, G replaced by C.
Protein change: p.Gly1640Arg; replaces glycine 1640 with arginine.
Molecular consequence: missense variant.
Genome position (GRCh38, 1-based): chrX:108,157,155, C>G on the plus strand (G>C on the coding strand, the complement: COL4A6 is on the minus strand). VCF-style: chrX-108157155-C-G. GRCh37 (hg19) VCF-style: chrX-107400385-C-G.
Other names: c.4969G>C, p.Gly1657Arg (NM_001287758.2); c.4846G>C, p.Gly1616Arg (NM_001287759.2); c.4747G>C, p.Gly1583Arg (NM_001287760.2); c.4921G>C, p.Gly1641Arg (NM_001847.4); short protein forms G1640R, G1641R, G1657R, G1583R, G1616R.
Identifiers: ClinVar variation 4994628 (VCV004994628.1).
Genomic context (GRCh38, chrX:108,157,155, plus strand): 5'-GCCTCTCCTCCACTGTGGTCAACCAGAAACTGTACTTGTTTGCAAAGTAGTGGCAGGTGC[C>G]TCGGGCACCACTGCATTCGATGAAAGGAGTGGCCCGAAAGTCCTCTAGGCAGGAGCCAGG-3'
Protein context (NP_378667.1, residues 1630-1650): TPFIECSGAR[Gly1640Arg]TCHYFANKYS